The following is an entry in ClinVar:

ClinVar aggregate classification (germline): Uncertain significance (1 of 4 stars; one submission).

Conditions:
Bethlem myopathy 1A. Also called: MYOPATHY, BENIGN CONGENITAL, WITH CONTRACTURES; Bethlem myopathy 1; Bethlem Muscular Dystrophy. Identifiers: Orphanet 610, MedGen CN029274, MONDO:0024530, OMIM 158810.

Allele frequency attached by ClinVar (database versions not stated): gnomAD exomes below 0.00001.
gnomAD v4.1: 1 of 1,614,078 alleles (0.000062%); highest among the groups gnomAD compares: African/African-American, 0.0013%; no homozygotes.

Submission:

Labcorp Genetics (formerly Invitae), Labcorp
Classification: Uncertain significance for Bethlem myopathy 1A. Last evaluated: 2022-02-25. Review status: criteria provided, single submitter. Criteria: Invitae Variant Classification Sherloc (09022015). Collection method: clinical testing. Allele origin: germline.
Comment: In summary, the available evidence is currently insufficient to determine the role of this variant in disease. Therefore, it has been classified as a Variant of Uncertain Significance. Advanced modeling of protein sequence and biophysical properties (such as structural, functional, and spatial information, amino acid conservation, physicochemical variation, residue mobility, and thermodynamic stability) performed at Invitae indicates that this missense variant is not expected to disrupt COL6A1 protein function. This variant has not been reported in the literature in individuals affected with COL6A1-related conditions. This variant is not present in population databases (gnomAD no frequency). This sequence change replaces glycine, which is neutral and non-polar, with serine, which is neutral and polar, at codon 782 of the COL6A1 protein (p.Gly782Ser).

NM_001848.3(COL6A1):c.2344G>A (p.Gly782Ser)

Gene: COL6A1 (collagen type VI alpha 1 chain; plus strand). Cytogenetic location: 21q22.3.
Variant type: single nucleotide variant.
Coding change: c.2344G>A on transcript NM_001848.3 (MANE Select); coding-DNA position 2344, G replaced by A.
Protein change: p.Gly782Ser; replaces glycine 782 with serine.
Molecular consequence: missense variant.
Genome position (GRCh38, 1-based): chr21:46,002,620, G>A. VCF-style: chr21-46002620-G-A. GRCh37 (hg19) VCF-style: chr21-47422534-G-A.
Other names: short protein forms G782S.
Identifiers: ClinVar variation 2101539 (VCV002101539.4), dbSNP rs2526351218, ClinGen allele CA410536595.
Genomic context (GRCh38, chr21:46,002,620, plus strand): 5'-TTCATCCCAGGCTCAGACCAGCTCAATGTCATTTCTTGCCAAGGCCTGGCACCATCCCAG[G>A]GCCGGCCCGGCCTCTCGCTGGTCAAGGAGAACTATGCAGAGCTGCTGGAGGATGCCTTCC-3'
Protein context (NP_001839.2, residues 772-792): ISCQGLAPSQ[Gly782Ser]RPGLSLVKEN